The following is an entry in ClinVar:

NM_000274.4(OAT):c.199+4C>T

Gene: OAT (ornithine aminotransferase; minus strand). Cytogenetic location: 10q26.13.
Variant type: single nucleotide variant.
Coding change: c.199+4C>T on transcript NM_000274.4 (MANE Select); 4 bases into the intron after coding-DNA position 199, C replaced by T.
Molecular consequence: intron variant.
Genome position (GRCh38, 1-based): chr10:124,411,969, G>A on the plus strand (C>T on the coding strand, the complement: OAT is on the minus strand). VCF-style: chr10-124411969-G-A. GRCh37 (hg19) VCF-style: chr10-126100538-G-A.
Other names: c.199+4C>T (NM_001322965.2, NM_001322971.2, NM_001322969.2 and 4 more transcripts); c.-215-3004C>T (NM_001171814.2); c.-515-3004C>T (NM_001322974.2).
Identifiers: ClinVar variation 195054 (VCV000195054.6), dbSNP rs373425479, ClinGen allele CA241319.
Genomic context (GRCh38, chr10:124,411,969, plus strand): 5'-GAAGCAATTTTTTTTTATAAAAGGTTTCAAGAAAAGGGAAAAGACGGATTAATTTGAAAC[G>A]TACCTTTTCCTCTCTCCAGGGCTACAGGTAAAGGATGGTAGTTGTGTGCACCATACTTAT-3'

ClinVar aggregate classification (germline): Uncertain significance. Review status: criteria provided, multiple submitters, no conflicts (2 of 4 stars). 2 submissions from 2 submitters: Uncertain significance (2). Last evaluated 2022-07-31.

Conditions:
Ornithine aminotransferase deficiency (GACR). Also called: HYPERORNITHINEMIA WITH GYRATE ATROPHY OF CHOROID AND RETINA; OAT DEFICIENCY; OKT DEFICIENCY; Ornithine ketoacid aminotransferase deficiency; Gyrate atrophy; Gyrate atrophy of choroid and retina. Identifiers: Orphanet 414, MedGen C0018425, MONDO:0009796, OMIM 258870.

Allele frequency attached by ClinVar (database versions not stated): TOPMed below 0.00001; gnomAD 0.00001; 1000 Genomes Project 30x 0.00016; 1000 Genomes Project 0.00020.
gnomAD v4.1: 7 of 1,611,176 alleles (0.00043%); highest among the groups gnomAD compares: Middle Eastern, 0.017%; no homozygotes.

Submissions (2):

Labcorp Genetics (formerly Invitae), Labcorp
Classification: Uncertain significance for Ornithine aminotransferase deficiency. Last evaluated: 2022-07-31. Review status: criteria provided, single submitter. Criteria: Invitae Variant Classification Sherloc (09022015). Collection method: clinical testing. Allele origin: germline.
Comment: This sequence change falls in intron 2 of the OAT gene. It does not directly change the encoded amino acid sequence of the OAT protein. It affects a nucleotide within the consensus splice site. This variant is present in population databases (rs373425479, gnomAD 0.0009%). This variant has not been reported in the literature in individuals affected with OAT-related conditions. ClinVar contains an entry for this variant (Variation ID: 195054). Variants that disrupt the consensus splice site are a relatively common cause of aberrant splicing (PMID: 17576681, 9536098). Algorithms developed to predict the effect of sequence changes on RNA splicing suggest that this variant is not likely to affect RNA splicing. In summary, the available evidence is currently insufficient to determine the role of this variant in disease. Therefore, it has been classified as a Variant of Uncertain Significance.

Eurofins Ntd Llc (ga)
Classification: Uncertain significance. Last evaluated: 2014-06-10. Review status: criteria provided, single submitter. Criteria: EGL Classification Definitions 2015. Collection method: clinical testing. Allele origin: germline. Observed: 1 variant allele, 1 heterozygote.

Literature cited by the submitters: PubMed 17576681 (cited by Labcorp Genetics (formerly Invitae), Labcorp); PubMed 9536098 (cited by Labcorp Genetics (formerly Invitae), Labcorp).